The following is an entry in ClinVar:

ClinVar aggregate classification (germline): Uncertain significance (1 of 4 stars; one submission).

Submission:

Labcorp Genetics (formerly Invitae), Labcorp
Classification: Uncertain significance. Last evaluated: 2025-07-03. Review status: criteria provided, single submitter. Criteria: Invitae Variant Classification Sherloc (09022015). Collection method: clinical testing. Allele origin: germline.
Comment: This sequence change replaces valine, which is neutral and non-polar, with phenylalanine, which is neutral and non-polar, at codon 285 of the TNNI3K protein (p.Val285Phe). This variant is not present in population databases (gnomAD no frequency). This variant has not been reported in the literature in individuals affected with TNNI3K-related conditions. Invitae Evidence Modeling of protein sequence and biophysical properties (such as structural, functional, and spatial information, amino acid conservation, physicochemical variation, residue mobility, and thermodynamic stability) indicates that this missense variant is not expected to disrupt TNNI3K protein function with a negative predictive value of 80%. In summary, the available evidence is currently insufficient to determine the role of this variant in disease. Therefore, it has been classified as a Variant of Uncertain Significance.

NM_015978.3(TNNI3K):c.853G>T (p.Val285Phe)

Genes: FPGT-TNNI3K (FPGT-TNNI3K readthrough; plus strand), TNNI3K (TNNI3 interacting kinase; plus strand). Cytogenetic location: 1p31.1.
Variant type: single nucleotide variant.
Coding change: c.853G>T on transcript NM_015978.3 (MANE Select); coding-DNA position 853, G replaced by T.
Protein change: p.Val285Phe; replaces valine 285 with phenylalanine.
Molecular consequence: missense variant.
Genome position (GRCh38, 1-based): chr1:74,343,100, G>T. VCF-style: chr1-74343100-G-T. GRCh37 (hg19) VCF-style: chr1-74808784-G-T.
Other names: c.1156G>T, p.Val386Phe (NM_001112808.3, NM_001199327.2); short protein forms V285F, V386F.
Identifiers: ClinVar variation 4745941 (VCV004745941.1).
Genomic context (GRCh38, chr1:74,343,100, plus strand): 5'-TTACAATATTAACAAGATATTTTCTTCAAATCTAGGGCATGCTACAATGGCAAATTTGAA[G>T]TTGCCAAGGAAATCATCCAAATATCAGGAACAGAAAGTCTGACTAAGGAAAACATCTTCA-3'
Protein context (NP_057062.1, residues 275-295): HLACYNGKFE[Val285Phe]AKEIIQISGT